The following is an entry in ClinVar:

NM_001008212.2(OPTN):c.227C>G (p.Thr76Arg)

Genes: OPTN (optineurin; plus strand), LOC108903148 (10p13 OPTN distal Alu-mediated recombination region; plus strand). Cytogenetic location: 10p13.
Variant type: single nucleotide variant.
Coding change: c.227C>G on transcript NM_001008212.2 (MANE Select); coding-DNA position 227, C replaced by G.
Protein change: p.Thr76Arg; replaces threonine 76 with arginine.
Molecular consequence: missense variant.
Genome position (GRCh38, 1-based): chr10:13,110,334, C>G. VCF-style: chr10-13110334-C-G. GRCh37 (hg19) VCF-style: chr10-13152334-C-G.
Other names: c.227C>G, p.Thr76Arg (NM_001008211.1, NM_001008213.1, NM_021980.4); short protein forms T76R.
Identifiers: ClinVar variation 3882842 (VCV003882842.2).

ClinVar aggregate classification (germline): Uncertain significance. Review status: criteria provided, multiple submitters, no conflicts (2 of 4 stars). 2 submissions from 2 submitters: Uncertain significance (2). Last evaluated 2026-08-01.

Conditions:
Inborn genetic diseases. Identifiers: MedGen C0950123, MeSH D030342.

gnomAD v4.1: 4 of 1,613,928 alleles (0.00025%); highest among the groups gnomAD compares: Admixed American, 0.0067%; no homozygotes.

Submissions (2):

CeGaT Center for Human Genetics Tuebingen
Classification: Uncertain significance. Last evaluated: 2026-08-01. Review status: criteria provided, single submitter. Criteria: CeGaT Center For Human Genetics Tuebingen Variant Classification Criteria Version 2. Collection method: clinical testing. Allele origin: germline. Affected: yes. Observed: 1 variant allele.
Comment: OPTN: PM2

Ambry Genetics
Classification: Uncertain significance for Inborn genetic diseases. Last evaluated: 2025-02-20. Review status: criteria provided, single submitter. Criteria: Ambry Variant Classification Scheme 2023. Collection method: clinical testing. Allele origin: germline.